The following is an entry in ClinVar:

ClinVar aggregate classification (germline): Pathogenic/Likely pathogenic. Review status: criteria provided, multiple submitters, no conflicts (2 of 4 stars). 6 submissions from 6 submitters: Pathogenic (1); Likely pathogenic (4). 1 of the submissions does not count toward it. Last evaluated 2026-03-27.

Conditions:
Inborn genetic diseases. Identifiers: MedGen C0950123, MeSH D030342.
Hypermethioninemia with deficiency of S-adenosylhomocysteine hydrolase. Identifiers: Orphanet 88618, MedGen C3151058, MONDO:0013404, OMIM 613752.
AHCY-related disorder. Also called: AHCY-related condition.

Allele frequency attached by ClinVar (database versions not stated): gnomAD 0.00003; TOPMed 0.00002; gnomAD exomes 0.00004 and 0.00002; ExAC 0.00005.
gnomAD v4.1: 27 of 1,613,812 alleles (0.0017%); highest among the groups gnomAD compares: Admixed American, 0.013%; no homozygotes.

Submissions (6):

GeneDx
Classification: Likely pathogenic. Last evaluated: 2026-03-27. Review status: criteria provided, single submitter. Criteria: GeneDx Variant Classification Process June 2021. Collection method: clinical testing. Allele origin: germline.
Comment: Published functional studies demonstrated very low enzyme activity (PMID: 19177456); In silico analysis supports that this missense variant has a deleterious effect on protein structure/function; This variant is associated with the following publications: (PMID: 30121674, 28647132, 19177456, 41638428, 20852937)

Labcorp Genetics (formerly Invitae), Labcorp
Classification: Pathogenic for Hypermethioninemia with deficiency of S-adenosylhomocysteine hydrolase. Last evaluated: 2025-09-17. Review status: criteria provided, single submitter. Criteria: Invitae Variant Classification Sherloc (09022015). Collection method: clinical testing. Allele origin: germline.
Comment: This sequence change replaces aspartic acid, which is acidic and polar, with glycine, which is neutral and non-polar, at codon 86 of the AHCY protein (p.Asp86Gly). This variant is present in population databases (rs773162208, gnomAD 0.006%). This missense change has been observed in individual(s) with S-adenosylhomocysteine hydrolase (AHCY) deficiency (PMID: 20852937). In at least one individual the data is consistent with being in trans (on the opposite chromosome) from a pathogenic variant. It has also been observed to segregate with disease in related individuals. ClinVar contains an entry for this variant (Variation ID: 631872). Invitae Evidence Modeling of protein sequence and biophysical properties (such as structural, functional, and spatial information, amino acid conservation, physicochemical variation, residue mobility, and thermodynamic stability) indicates that this missense variant is expected to disrupt AHCY protein function with a positive predictive value of 95%. Experimental studies have shown that this missense change affects AHCY function (PMID: 19177456). For these reasons, this variant has been classified as Pathogenic.

PreventionGenetics, part of Exact Sciences
Classification: Likely pathogenic for AHCY-related condition. Last evaluated: 2025-06-04. Review status: criteria provided, single submitter. Criteria: ACMG Guidelines, 2015. Collection method: clinical testing. Allele origin: germline.
Comment: The AHCY c.257A>G variant is predicted to result in the amino acid substitution p.Asp86Gly. This variant was reported in the compound heterozygous state in two siblings with clinical and biochemical features of S-adenosylhomocysteine hydrolase deficiency (Vugrek et al. 2009. PubMed ID: 19177456; Grubbs et al. 2010. PubMed ID: 20852937). In vitro experimental studies indicate this variant impacts protein function (Vugrek et al. 2009. PubMed ID: 19177456). This variant is reported in 0.0057% of alleles in individuals of Latino descent in gnomAD. This variant is interpreted as likely pathogenic.

Blueprint Genetics
Classification: Likely pathogenic for AHCY-related disorders. Last evaluated: 2023-07-06. Review status: criteria provided, single submitter. Criteria: ACMG Guidelines, 2015. Collection method: clinical testing. Allele origin: germline. Affected: yes. Observed: 1 variant allele.

Ambry Genetics
Classification: Likely pathogenic for Inborn genetic diseases. Last evaluated: 2018-11-21. Review status: criteria provided, single submitter. Criteria: Ambry exome assertion method (8-5-2015). Collection method: clinical testing. Allele origin: germline. Affected: yes. Observed: 1 variant allele.

OMIM
Classification: Pathogenic for HYPERMETHIONINEMIA WITH S-ADENOSYLHOMOCYSTEINE HYDROLASE DEFICIENCY. Last evaluated: 2024-02-06. Review status: no assertion criteria provided. Collection method: literature only. Allele origin: germline. Not counted in ClinVar's aggregate classification.

Literature cited by the submitters: PubMed 20852937 (cited by 3 submitters); PubMed 19177456 (cited by Labcorp Genetics (formerly Invitae), Labcorp and Ambry Genetics); PubMed 28647132 (cited by Ambry Genetics).

NM_000687.4(AHCY):c.257A>G (p.Asp86Gly)

Gene: AHCY (adenosylhomocysteinase; minus strand). Cytogenetic location: 20q11.22.
Variant type: single nucleotide variant.
Coding change: c.257A>G on transcript NM_000687.4 (MANE Select); coding-DNA position 257, A replaced by G.
Protein change: p.Asp86Gly; replaces aspartic acid 86 with glycine.
Molecular consequence: missense variant.
Genome position (GRCh38, 1-based): chr20:34,294,119, T>C on the plus strand (A>G on the coding strand, the complement: AHCY is on the minus strand). VCF-style: chr20-34294119-T-C. GRCh37 (hg19) VCF-style: chr20-32881925-T-C.
Other names: c.173A>G, p.Asp58Gly (NM_001322085.2, NM_001161766.2, NM_001322084.2); c.263A>G, p.Asp88Gly (NM_001322086.2); c.257A>G, p.Asp86Gly (NM_001362750.2); c.257A>G (NM_000687.3); short protein forms D58G, D86G, D88G.
Identifiers: ClinVar variation 631872 (VCV000631872.15), dbSNP rs773162208, ClinGen allele CA9821069.